The following is an entry in ClinVar:

ClinVar aggregate classification (germline): Conflicting classifications of pathogenicity. Review status: criteria provided, conflicting classifications (1 of 4 stars). 9 submissions from 9 submitters: Uncertain significance (8); Likely benign (1). Last evaluated 2026-07-01.

Conditions:
Glycogen storage disease, type II (IOPD). Also called: GLYCOGEN STORAGE DISEASE II, INFANTILE-ONSET; ACID ALPHA-GLUCOSIDASE DEFICIENCY, INFANTILE-ONSET; GAA DEFICIENCY, INFANTILE-ONSET; ACID MALTASE DEFICIENCY, INFANTILE-ONSET; GLYCOGENOSIS, GENERALIZED, CARDIAC FORM; GSD II. Identifiers: Orphanet 365, MedGen C0017921, MONDO:0009290, OMIM 232300.

Allele frequency attached by ClinVar (database versions not stated): gnomAD 0.00006; ExAC 0.00015; TOPMed 0.00010; ESP Exome Variant Server 0.00008.
gnomAD v4.1: 137 of 1,612,596 alleles (0.0085%); highest among the groups gnomAD compares: Admixed American, 0.032%; 1 homozygote.

Submissions (9):

Genomenon, Inc
Classification: Uncertain significance for Glycogen storage disease, type II. Last evaluated: 2026-07-01. Review status: criteria provided, single submitter. Criteria: Genomenon Sequence Variant Interpretation Standards - Updated. Collection method: curation. Allele origin: germline. Affected: no.
Comment: GAA p.Arg608Gln (c.1823G>A) is a missense variant that changes the amino acid at codon 608 from Arginine to Glutamine. This variant has been reported in the published literature (PMID:30281819). It is absent or not present at a significant frequency in gnomAD. In silico models predict that this variant is not damaging. In conclusion, we classify GAA p.Arg608Gln (c.1823G>A) as a variant of uncertain significance.

Women's Health and Genetics/Laboratory Corporation of America, LabCorp
Classification: Uncertain significance. Last evaluated: 2026-06-23. Review status: criteria provided, single submitter. Criteria: LabCorp Variant Classification Summary - May 2015. Collection method: clinical testing. Allele origin: germline.
Comment: Variant summary: GAA c.1823G>A (p.Arg608Gln) results in a conservative amino acid change in the encoded protein sequence. Algorithms developed to predict the effect of missense changes on protein structure and function all suggest that this variant is likely to be tolerated. The variant allele was found at a frequency of 0.00011 in 245194 control chromosomes. This frequency is not significantly higher than estimated for disease-causing variants in GAA, allowing no conclusion about variant significance. c.1823G>A has been observed in individual(s) affected with dilated cardiomyopathy (Mio_2024). These report(s) do not provide unequivocal conclusions about association of the variant with disease. To our knowledge, no experimental evidence demonstrating an impact on protein function has been reported. The following publication has been ascertained in the context of this evaluation (PMID: 38837338). ClinVar contains an entry for this variant (Variation ID: 290266). Based on the evidence outlined above, the variant was classified as uncertain significance.

Labcorp Genetics (formerly Invitae), Labcorp
Classification: Likely benign for Glycogen storage disease, type II. Last evaluated: 2026-01-04. Review status: criteria provided, single submitter. Criteria: Invitae Variant Classification Sherloc (09022015). Collection method: clinical testing. Allele origin: germline.

GeneDx
Classification: Uncertain significance. Last evaluated: 2023-12-19. Review status: criteria provided, single submitter. Criteria: GeneDx Variant Classification Process June 2021. Collection method: clinical testing. Allele origin: germline. Affected: yes.
Comment: Has not been previously published as pathogenic or benign to our knowledge; In silico analysis supports that this missense variant does not alter protein structure/function; This variant is associated with the following publications: (PMID: 19343043, 22253258)

Revvity Omics, Revvity
Classification: Uncertain significance. Last evaluated: 2022-03-15. Review status: criteria provided, single submitter. Criteria: ACMG Guidelines, 2015. Collection method: clinical testing. Allele origin: germline.

Genome-Nilou Lab
Classification: Uncertain significance for Glycogen storage disease, type II. Last evaluated: 2021-07-22. Review status: criteria provided, single submitter. Criteria: ACMG Guidelines, 2015. Collection method: clinical testing. Allele origin: germline. Affected: no.

Fulgent Genetics
Classification: Uncertain significance for Glycogen storage disease, type II. Last evaluated: 2018-10-31. Review status: criteria provided, single submitter. Criteria: ACMG Guidelines, 2015. Collection method: clinical testing. Allele origin: unknown.

Eurofins Ntd Llc (ga)
Classification: Uncertain significance. Last evaluated: 2018-07-31. Review status: criteria provided, single submitter. Criteria: EGL ClinVar v180209 classification definitions. Collection method: clinical testing. Allele origin: germline. Observed: 3 variant alleles, 3 heterozygotes.

Illumina Laboratory Services, Illumina
Classification: Uncertain significance for Glycogen storage disease, type II. Last evaluated: 2017-04-27. Review status: criteria provided, single submitter. Criteria: ICSL Variant Classification Criteria 13 December 2019. Collection method: clinical testing. Allele origin: germline.
Comment: This variant was observed as part of a predisposition screen in an ostensibly healthy population. A literature search was performed for the gene, cDNA change, and amino acid change (where applicable). Publications were found based on this search. However, the evidence from the literature, in combination with allele frequency data from public databases where available, was not sufficient to rule this variant in or out of causing disease. Therefore, this variant is classified as a variant of unknown significance.

Literature cited by the submitters: PubMed 30281819 (cited by Genomenon, Inc); PubMed 38837338 (cited by Women's Health and Genetics/Laboratory Corporation of America, LabCorp); PubMed 23884227 (cited by Illumina Laboratory Services, Illumina); PubMed 11071489 (cited by Illumina Laboratory Services, Illumina).

NM_000152.5(GAA):c.1823G>A (p.Arg608Gln)

Gene: GAA (alpha glucosidase; plus strand). Cytogenetic location: 17q25.3.
Variant type: single nucleotide variant.
Coding change: c.1823G>A on transcript NM_000152.5 (MANE Select); coding-DNA position 1823, G replaced by A.
Protein change: p.Arg608Gln; replaces arginine 608 with glutamine.
Molecular consequence: missense variant.
Genome position (GRCh38, 1-based): chr17:80,112,646, G>A. VCF-style: chr17-80112646-G-A. GRCh37 (hg19) VCF-style: chr17-78086445-G-A.
Other names: c.1823G>A (LRG_673t1); c.1823G>A, p.Arg608Gln (NM_001079803.3, NM_001079804.3); short protein forms R608Q.
Identifiers: ClinVar variation 290266 (VCV000290266.31), dbSNP rs377126280, ClinGen allele CA8815489.